The following is an entry in ClinVar:

NM_001291303.3(FAT4):c.11594T>C (p.Ile3865Thr)

Gene: FAT4 (FAT atypical cadherin 4; plus strand). Cytogenetic location: 4q28.1.
Variant type: single nucleotide variant.
Coding change: c.11594T>C on transcript NM_001291303.3 (MANE Select); coding-DNA position 11594, T replaced by C.
Protein change: p.Ile3865Thr; replaces isoleucine 3865 with threonine.
Molecular consequence: missense variant.
Genome position (GRCh38, 1-based): chr4:125,452,604, T>C. VCF-style: chr4-125452604-T-C. GRCh37 (hg19) VCF-style: chr4-126373759-T-C.
Other names: c.11594T>C, p.Ile3865Thr (NM_001291285.3); c.11588T>C, p.Ile3863Thr (NM_024582.6); short protein forms I3865T, I3863T.
Identifiers: ClinVar variation 3673107 (VCV003673107.2).

ClinVar aggregate classification (germline): Uncertain significance (1 of 4 stars; one submission).

gnomAD v4.1: 46 of 1,614,148 alleles (0.0028%); highest among the groups gnomAD compares: Middle Eastern, 0.016%; no homozygotes.

Submission:

Labcorp Genetics (formerly Invitae), Labcorp
Classification: Uncertain significance. Last evaluated: 2025-08-18. Review status: criteria provided, single submitter. Criteria: Invitae Variant Classification Sherloc (09022015). Collection method: clinical testing. Allele origin: germline.
Comment: This sequence change replaces isoleucine, which is neutral and non-polar, with threonine, which is neutral and polar, at codon 3863 of the FAT4 protein (p.Ile3863Thr). This variant is present in population databases (no rsID available, gnomAD 0.0009%). This variant has not been reported in the literature in individuals affected with FAT4-related conditions. ClinVar contains an entry for this variant (Variation ID: 3673107). Invitae Evidence Modeling of protein sequence and biophysical properties (such as structural, functional, and spatial information, amino acid conservation, physicochemical variation, residue mobility, and thermodynamic stability) indicates that this missense variant is not expected to disrupt FAT4 protein function with a negative predictive value of 95%. In summary, the available evidence is currently insufficient to determine the role of this variant in disease. Therefore, it has been classified as a Variant of Uncertain Significance.